The following is an entry in ClinVar:

ClinVar aggregate classification (germline): Uncertain significance (1 of 4 stars; one submission).

Submission:

CeGaT Center for Human Genetics Tuebingen
Classification: Uncertain significance. Last evaluated: 2026-01-01. Review status: criteria provided, single submitter. Criteria: CeGaT Center For Human Genetics Tuebingen Variant Classification Criteria Version 2. Collection method: clinical testing. Allele origin: germline. Affected: yes. Observed: 1 variant allele.
Comment: LHX4: PM2

NM_033343.4(LHX4):c.771C>G (p.Ser257Arg)

Genes: LHX4-AS1 (LHX4 antisense RNA 1; minus strand), ACBD6 (acyl-CoA binding domain containing 6; minus strand), LHX4 (LIM homeobox 4; plus strand). Cytogenetic location: 1q25.2.
Variant type: single nucleotide variant.
Coding change: c.771C>G on transcript NM_033343.4 (MANE Select); coding-DNA position 771, C replaced by G.
Protein change: p.Ser257Arg; replaces serine 257 with arginine.
Molecular consequence: missense variant.
Genome position (GRCh38, 1-based): chr1:180,271,999, C>G. VCF-style: chr1-180271999-C-G. GRCh37 (hg19) VCF-style: chr1-180241134-C-G.
Other names: short protein forms S257R.
Identifiers: ClinVar variation 4822857 (VCV004822857.4).